The following is an entry in ClinVar:

ClinVar aggregate classification (germline): Conflicting classifications of pathogenicity. Review status: criteria provided, conflicting classifications (1 of 4 stars). 4 submissions from 4 submitters: Uncertain significance (3); Benign (1). Last evaluated 2026-01-26.

Conditions:
Inborn genetic diseases. Identifiers: MedGen C0950123, MeSH D030342.

Allele frequency attached by ClinVar (database versions not stated): 1000 Genomes Project 30x 0.00031; ExAC 0.00011; TOPMed 0.00018; 1000 Genomes Project 0.00040; gnomAD exomes 0.00003 and 0.00008; gnomAD 0.00017 and 0.00019; ESP Exome Variant Server 0.00031.
gnomAD v4.1: 70 of 1,613,696 alleles (0.0043%); highest among the groups gnomAD compares: African/African-American, 0.061%; no homozygotes.

Submissions (4):

Labcorp Genetics (formerly Invitae), Labcorp
Classification: Benign. Last evaluated: 2026-01-26. Review status: criteria provided, single submitter. Criteria: Invitae Variant Classification Sherloc (09022015). Collection method: clinical testing. Allele origin: germline.

GeneDx
Classification: Uncertain significance. Last evaluated: 2024-06-10. Review status: criteria provided, single submitter. Criteria: GeneDx Variant Classification Process June 2021. Collection method: clinical testing. Allele origin: germline. Affected: yes.
Comment: In silico analysis indicates that this missense variant does not alter protein structure/function; Has not been previously published as pathogenic or benign to our knowledge

Ambry Genetics
Classification: Uncertain significance for Inborn genetic diseases. Last evaluated: 2021-07-21. Review status: criteria provided, single submitter. Criteria: Ambry Variant Classification Scheme 2023. Collection method: clinical testing. Allele origin: germline.

Laboratory for Molecular Medicine, Mass General Brigham Personalized Medicine
Classification: Uncertain significance. Last evaluated: 2018-09-17. Review status: criteria provided, single submitter. Criteria: LMM Criteria. Collection method: clinical testing. Allele origin: germline. Observed: 1 variant allele.
Comment: Variant classified as Uncertain Significance - Favor Benign. The p.Ala1677Thr va riant in OTOF has not been previously reported in individuals with hearing loss or auditory neuropathy spectrum disorder but has been identified in 0.058% (14/2 3966) of African chromosomes by the Genome Aggregation Database (gnomAD). Computational prediction tools and conservation anal ysis suggest that the p.Ala1677Thr variant may not impact the protein. Of note, orangutan has Threonine (Thr) at this position, though this information is not p redictive enough to rule out pathogenicity. In summary, while the clinical signi ficance of the p.Ala1677Thr variant is uncertain, the lack of conservation at th is position suggests that it is more likely to be benign. ACMG/AMP Criteria appl ied: PM2_Supporting, BP4.

NM_194248.3(OTOF):c.5029G>A (p.Ala1677Thr)

Genes: OTOF (otoferlin; minus strand), LOC112840921 (BRD4-independent group 4 enhancer GRCh37_chr2:26685720-26686919; plus strand). Cytogenetic location: 2p23.3.
Variant type: single nucleotide variant.
Coding change: c.5029G>A on transcript NM_194248.3 (MANE Select); coding-DNA position 5029, G replaced by A.
Protein change: p.Ala1677Thr; replaces alanine 1677 with threonine.
Molecular consequence: missense variant.
Genome position (GRCh38, 1-based): chr2:26,464,038, C>T on the plus strand (G>A on the coding strand, the complement: OTOF is on the minus strand). VCF-style: chr2-26464038-C-T. GRCh37 (hg19) VCF-style: chr2-26686906-C-T.
Other names: c.5029G>A, p.Ala1677Thr (NM_001287489.2); c.2728G>A, p.Ala910Thr (NM_004802.4, NM_194323.3); c.2959G>A, p.Ala987Thr (NM_194322.3); short protein forms A987T, A1677T, A910T.
Identifiers: ClinVar variation 667294 (VCV000667294.14), dbSNP rs372908847, ClinGen allele CA1562953.